The following is an entry in ClinVar:

ClinVar aggregate classification (germline): Uncertain significance (1 of 4 stars; one submission).

Conditions:
Early-infantile DEE. Also called: Ohtahara syndrome; Early infantile epileptic encephalopathy with suppression bursts; Early infantile epileptic encephalopathy. Identifiers: Orphanet 1934, MedGen C0393706, MONDO:0800491.

Submission:

Labcorp Genetics (formerly Invitae), Labcorp
Classification: Uncertain significance for Early-infantile DEE. Last evaluated: 2019-12-11. Review status: criteria provided, single submitter. Criteria: Invitae Variant Classification Sherloc (09022015). Collection method: clinical testing. Allele origin: germline.
Comment: The frequency data for this variant in the population databases is considered unreliable, as metrics indicate insufficient coverage at this position in the ExAC database. In summary, the available evidence is currently insufficient to determine the role of this variant in disease. Therefore, it has been classified as a Variant of Uncertain Significance. Algorithms developed to predict the effect of missense changes on protein structure and function are either unavailable or do not agree on the potential impact of this missense change (SIFT: "Deleterious"; PolyPhen-2: "Not Available"; Align-GVGD: "Class C0"). This variant has not been reported in the literature in individuals with CACNA2D2-related conditions. This sequence change replaces proline with leucine at codon 40 of the CACNA2D2 protein (p.Pro40Leu). The proline residue is weakly conserved and there is a moderate physicochemical difference between proline and leucine.

NM_006030.4(CACNA2D2):c.119C>T (p.Pro40Leu)

Gene: CACNA2D2 (calcium voltage-gated channel auxiliary subunit alpha2delta 2; minus strand). Cytogenetic location: 3p21.31.
Variant type: single nucleotide variant.
Coding change: c.119C>T on transcript NM_006030.4 (MANE Select); coding-DNA position 119, C replaced by T.
Protein change: p.Pro40Leu; replaces proline 40 with leucine.
Molecular consequence: missense variant. On other transcripts: intron variant (1).
Genome position (GRCh38, 1-based): chr3:50,503,305, G>A on the plus strand (C>T on the coding strand, the complement: CACNA2D2 is on the minus strand). VCF-style: chr3-50503305-G-A. GRCh37 (hg19) VCF-style: chr3-50540736-G-A.
Other names: c.119C>T, p.Pro40Leu (NM_001005505.3, NM_001174051.3); c.-2+764C>T (NM_001291101.1); short protein forms P40L.
Identifiers: ClinVar variation 853549 (VCV000853549.7), dbSNP rs1575798996, ClinGen allele CA353000338.